The following is an entry in ClinVar:

ClinVar aggregate classification (germline): Uncertain significance (1 of 4 stars; one submission).

Conditions:
Brown-Vialetto-van Laere syndrome 2. Also called: Riboflavin transporter deficiency type 2; SPINOCEREBELLAR ATAXIA WITH BLINDNESS AND DEAFNESS 2. Identifiers: Orphanet 572543, Orphanet 97229, MedGen C3553538, MONDO:0013867, OMIM 614707.

Submission:

Labcorp Genetics (formerly Invitae), Labcorp
Classification: Uncertain significance for Brown-Vialetto-van Laere syndrome 2. Last evaluated: 2021-09-06. Review status: criteria provided, single submitter. Criteria: Invitae Variant Classification Sherloc (09022015). Collection method: clinical testing. Allele origin: germline.
Comment: This sequence change replaces proline with histidine at codon 442 of the SLC52A2 protein (p.Pro442His). The proline residue is weakly conserved and there is a moderate physicochemical difference between proline and histidine. This variant is not present in population databases (ExAC no frequency). This variant has not been reported in the literature in individuals affected with SLC52A2-related conditions. Advanced modeling of protein sequence and biophysical properties (such as structural, functional, and spatial information, amino acid conservation, physicochemical variation, residue mobility, and thermodynamic stability) performed at Invitae indicates that this missense variant is not expected to disrupt SLC52A2 protein function. In summary, the available evidence is currently insufficient to determine the role of this variant in disease. Therefore, it has been classified as a Variant of Uncertain Significance.

NM_001363118.2(SLC52A2):c.1325C>A (p.Pro442His)

Gene: SLC52A2 (solute carrier family 52 member 2; plus strand). Cytogenetic location: 8q24.3.
Variant type: single nucleotide variant.
Coding change: c.1325C>A on transcript NM_001363118.2 (MANE Select); coding-DNA position 1325, C replaced by A.
Protein change: p.Pro442His; replaces proline 442 with histidine.
Molecular consequence: missense variant. On other transcripts: non-coding transcript variant (1).
Genome position (GRCh38, 1-based): chr8:144,361,002, C>A. VCF-style: chr8-144361002-C-A. GRCh37 (hg19) VCF-style: chr8-145584662-C-A.
Other names: c.1325C>A, p.Pro442His (NM_001253815.2, NM_001253816.2, NM_001363120.2 and 2 more transcripts); c.833C>A, p.Pro278His (NM_001363122.2); short protein forms P278H, P442H.
Identifiers: ClinVar variation 1517728 (VCV001517728.6), dbSNP rs2130653606, ClinGen allele CA372630511.